The following is an entry in ClinVar:

NM_001312909.2(FAM111A):c.1649G>T (p.Gly550Val)

Gene: FAM111A (FAM111 trypsin like peptidase A; plus strand). Cytogenetic location: 11q12.1.
Variant type: single nucleotide variant.
Coding change: c.1649G>T on transcript NM_001312909.2 (MANE Select); coding-DNA position 1649, G replaced by T.
Protein change: p.Gly550Val; replaces glycine 550 with valine.
Molecular consequence: missense variant.
Genome position (GRCh38, 1-based): chr11:59,153,317, G>T. VCF-style: chr11-59153317-G-T. GRCh37 (hg19) VCF-style: chr11-58920790-G-T.
Other names: c.1649G>T, p.Gly550Val (NM_001142519.3, NM_001142520.3, NM_001142521.3 and 29 more transcripts); short protein forms G550V.
Identifiers: ClinVar variation 2228394 (VCV002228394.2), dbSNP rs770581436, ClinGen allele CA223182832.

ClinVar aggregate classification (germline): Uncertain significance (1 of 4 stars; one submission).

Conditions:
Inborn genetic diseases. Identifiers: MedGen C0950123, MeSH D030342.

Submission:

Ambry Genetics
Classification: Uncertain significance for Inborn genetic diseases. Last evaluated: 2020-12-29. Review status: criteria provided, single submitter. Criteria: Ambry Variant Classification Scheme 2023. Collection method: clinical testing. Allele origin: germline.
Comment: The c.1649G>T (p.G550V) alteration is located in exon 5 (coding exon 2) of the FAM111A gene. This alteration results from a G to T substitution at nucleotide position 1649, causing the glycine (G) at amino acid position 550 to be replaced by a valine (V). The in silico prediction for the p.G550V alteration is inconclusive. Based on insufficient or conflicting evidence, the clinical significance of this alteration remains unclear.